The following is an entry in ClinVar:

NM_000038.6(APC):c.5906T>A (p.Leu1969Gln)

Gene: APC (APC regulator of Wnt signaling pathway; plus strand). Cytogenetic location: 5q22.2.
Variant type: single nucleotide variant.
Coding change: c.5906T>A on transcript NM_000038.6 (MANE Select); coding-DNA position 5906, T replaced by A.
Protein change: p.Leu1969Gln; replaces leucine 1969 with glutamine.
Molecular consequence: missense variant. On other transcripts: non-coding transcript variant (2).
Genome position (GRCh38, 1-based): chr5:112,841,500, T>A. VCF-style: chr5-112841500-T-A. GRCh37 (hg19) VCF-style: chr5-112177197-T-A.
Other names: c.5729T>A, p.Leu1910Gln (NM_001407453.1, NM_001354901.2); c.5657T>A, p.Leu1886Gln (NM_001407454.1, NM_001407455.1, NM_001407456.1 and 1 more transcripts); c.5603T>A, p.Leu1868Gln (NM_001407458.1, NM_001407459.1, NM_001407460.1 and 1 more transcripts); c.5519T>A, p.Leu1840Gln (NM_001407467.1, NM_001407469.1); c.5057T>A, p.Leu1686Gln (NM_001407470.1, NM_001354906.2); c.4754T>A, p.Leu1585Gln (NM_001407471.1, NM_001407472.1); c.5906T>A, p.Leu1969Gln (NM_001127510.3, NM_001354895.2, NM_001407450.1); c.5852T>A, p.Leu1951Gln (NM_001127511.3); and 11 more; short protein forms L1686Q, L1868Q, L1951Q, L1969Q, L1585Q, L1809Q, L1843Q, L1910Q.
Identifiers: ClinVar variation 3409817 (VCV003409817.1).

ClinVar aggregate classification (germline): Uncertain significance (1 of 4 stars; one submission).

Conditions:
Hereditary cancer-predisposing syndrome. Also called: Neoplastic Syndromes, Hereditary; Tumor predisposition; Hereditary Cancer Syndrome; Hereditary neoplastic syndrome. Identifiers: Orphanet 140162, MedGen C0027672, MeSH D009386, MONDO:0015356.

Submission:

Ambry Genetics
Classification: Uncertain significance for Hereditary cancer-predisposing syndrome. Last evaluated: 2024-07-26. Review status: criteria provided, single submitter. Criteria: Ambry Variant Classification Scheme 2023. Collection method: clinical testing. Allele origin: germline.
Comment: The p.L1969Q variant (also known as c.5906T>A), located in coding exon 15 of the APC gene, results from a T to A substitution at nucleotide position 5906. The leucine at codon 1969 is replaced by glutamine, an amino acid with dissimilar properties. This amino acid position is conserved. In addition, in silico predictors for this gene do not accurately predict pathogenicity. Based on the available evidence, the clinical significance of this variant remains unclear.